The following is an entry in ClinVar:

ClinVar aggregate classification (germline): Benign. Review status: criteria provided, single submitter (1 of 4 stars). 2 submissions from 2 submitters: Benign (1). 1 of the submissions does not count toward it. Last evaluated 2019-12-31.

Conditions:
REV3L-related disorder. Also called: REV3L-related condition.

Allele frequency attached by ClinVar (database versions not stated): ESP Exome Variant Server 0.00015; gnomAD exomes 0.00028 and 0.00105; gnomAD 0.00053 and 0.00064; TOPMed 0.00074; ExAC 0.00081; 1000 Genomes Project 30x 0.00219; 1000 Genomes Project 0.00260.
gnomAD v4.1: 550 of 1,614,080 alleles (0.034%); highest among the groups gnomAD compares: East Asian, 1%; 6 homozygotes.

Submissions (2):

Labcorp Genetics (formerly Invitae), Labcorp
Classification: Benign. Last evaluated: 2019-12-31. Review status: criteria provided, single submitter. Criteria: Invitae Variant Classification Sherloc (09022015). Collection method: clinical testing. Allele origin: germline.

PreventionGenetics, part of Exact Sciences
Classification: Benign for REV3L-related condition. Last evaluated: 2019-08-01. Review status: no assertion criteria provided. Collection method: clinical testing. Allele origin: germline. Not counted in ClinVar's aggregate classification.
Comment: This variant is classified as benign based on ACMG/AMP sequence variant interpretation guidelines (Richards et al. 2015 PMID: 25741868, with internal and published modifications).

NM_001372078.1(REV3L):c.8285G>A (p.Arg2762Gln)

Gene: REV3L (REV3 like, DNA directed polymerase zeta catalytic subunit; minus strand). Cytogenetic location: 6q21.
Variant type: single nucleotide variant.
Coding change: c.8285G>A on transcript NM_001372078.1 (MANE Select); coding-DNA position 8285, G replaced by A.
Protein change: p.Arg2762Gln; replaces arginine 2762 with glutamine.
Molecular consequence: missense variant.
Genome position (GRCh38, 1-based): chr6:111,322,635, C>T on the plus strand (G>A on the coding strand, the complement: REV3L is on the minus strand). VCF-style: chr6-111322635-C-T. GRCh37 (hg19) VCF-style: chr6-111643838-C-T.
Other names: c.8051G>A, p.Arg2684Gln (NM_001286431.2, NM_001286432.2); c.8285G>A, p.Arg2762Gln (NM_002912.5); short protein forms R2762Q, R2684Q.
Identifiers: ClinVar variation 715342 (VCV000715342.6), dbSNP rs3218592, ClinGen allele CA3961274.